The following is an entry in ClinVar:

ClinVar aggregate classification (germline): Pathogenic (1 of 4 stars; one submission).

Conditions:
Deficiency of alpha-mannosidase (MANSA). Also called: Mannosidosis, alpha-, types I and II; LYSOSOMAL ALPHA-D-MANNOSIDASE DEFICIENCY; Alpha-Mannosidosis. Identifiers: Orphanet 61, MedGen C0024748, MONDO:0009561, OMIM 248500.

Submission:

Labcorp Genetics (formerly Invitae), Labcorp
Classification: Pathogenic for Deficiency of alpha-mannosidase. Last evaluated: 2023-01-25. Review status: criteria provided, single submitter. Criteria: Invitae Variant Classification Sherloc (09022015). Collection method: clinical testing. Allele origin: germline.
Comment: For these reasons, this variant has been classified as Pathogenic. This variant disrupts a region of the MAN2B1 protein in which other variant(s) (p.Thr974Asnfs*) have been determined to be pathogenic (PMID: 22161967). This suggests that this is a clinically significant region of the protein, and that variants that disrupt it are likely to be disease-causing. This variant has not been reported in the literature in individuals affected with MAN2B1-related conditions. This variant is not present in population databases (gnomAD no frequency). This sequence change results in a frameshift in the MAN2B1 gene (p.Arg962Glnfs*?). While this is not anticipated to result in nonsense mediated decay, it is expected to disrupt the last 50 amino acid(s) of the MAN2B1 protein and extend the protein by an uncertain number of additional amino acid residues.

Literature cited by the submitters: PubMed 22161967.

NM_000528.4(MAN2B1):c.2885_2898del (p.Arg962fs)

Gene: MAN2B1 (mannosidase alpha class 2B member 1; minus strand). Cytogenetic location: 19p13.13.
Variant type: Deletion.
Coding change: c.2885_2898del on transcript NM_000528.4 (MANE Select); coding-DNA positions 2885 to 2898, 14 bases deleted (GCGAGGCAGCCTCC).
Protein change: p.Arg962fs; shifts the reading frame from arginine 962.
Molecular consequence: frameshift variant.
Genome position (GRCh38, 1-based): chr19:12,647,258-12,647,271, GGAGGCTGCCTCGC deleted on the plus strand (GCGAGGCAGCCTCC on the coding strand, the reverse complement: MAN2B1 is on the minus strand); deleting any 14 consecutive bases within chr19:12,647,258-12,647,275 gives the same sequence; the c. name uses the placement nearest the transcript's 3' end. VCF-style (leftmost placement, unchanged base first): chr19-12647257-TGGAGGCTGCCTCGC-T. GRCh37 (hg19) VCF-style: chr19-12758071-TGGAGGCTGCCTCGC-T.
Other names: c.2882_2895del, p.Arg961fs (NM_001173498.2); short protein forms R961fs, R962fs.
Identifiers: ClinVar variation 2739867 (VCV002739867.3), dbSNP rs2512484336, ClinGen allele CA2697556344.
Genomic context (GRCh38, chr19:12,647,257, plus strand): 5'-ACTCCACCCCTTCCCTACCCCTGACCAGGGCCCCACCTGTGTTTGTTGTCCACTTGAGCC[TGGAGGCTGCCTCGC>T]GGAGCTGGTTGGCCACCAGCGTGGTCTCCTGCAGGCGGGTGATGGTGAAGGTGGAGAACA-3'